The following is an entry in ClinVar:

NM_001267550.2(TTN):c.101629C>T (p.His33877Tyr)

Genes: TTN (titin; minus strand), TTN-AS1 (TTN antisense RNA 1; plus strand). Cytogenetic location: 2q31.2.
Variant type: single nucleotide variant.
Coding change: c.101629C>T on transcript NM_001267550.2 (MANE Select); coding-DNA position 101629, C replaced by T.
Protein change: p.His33877Tyr; replaces histidine 33877 with tyrosine.
Molecular consequence: missense variant.
Genome position (GRCh38, 1-based): chr2:178,534,986, G>A on the plus strand (C>T on the coding strand, the complement: TTN is on the minus strand). VCF-style: chr2-178534986-G-A. GRCh37 (hg19) VCF-style: chr2-179399713-G-A.
Other names: c.96706C>T, p.His32236Tyr (NM_001256850.1); c.74434C>T, p.His24812Tyr (NM_003319.4); c.93925C>T, p.His31309Tyr (NM_133378.4); c.74809C>T, p.His24937Tyr (NM_133432.3); c.75010C>T, p.His25004Tyr (NM_133437.4); short protein forms H24812Y, H25004Y, H33877Y, H24937Y, H31309Y, H32236Y.
Identifiers: ClinVar variation 838219 (VCV000838219.10), dbSNP rs1690786587, ClinGen allele CA349420145.

ClinVar aggregate classification (germline): Uncertain significance (1 of 4 stars; one submission).

Conditions:
Dilated cardiomyopathy 1G (CMD1G). Identifiers: Orphanet 154, MedGen C1858763, MONDO:0011400, OMIM 604145.
Autosomal recessive limb-girdle muscular dystrophy type 2J (LGMDR10). Also called: Limb-girdle muscular dystrophy, type 2J; MUSCULAR DYSTROPHY, LIMB-GIRDLE, AUTOSOMAL RECESSIVE 10. Identifiers: Orphanet 140922, MedGen C1837342, MONDO:0012127, OMIM 608807.

gnomAD v4.1: 1 of 1,613,620 alleles (0.000062%); highest among the groups gnomAD compares: Non-Finnish European, 0.000085%; no homozygotes.

Submission:

Labcorp Genetics (formerly Invitae), Labcorp
Classification: Uncertain significance for Dilated cardiomyopathy 1G; Autosomal recessive limb-girdle muscular dystrophy type 2J. Last evaluated: 2022-02-28. Review status: criteria provided, single submitter. Criteria: Invitae Variant Classification Sherloc (09022015). Collection method: clinical testing. Allele origin: germline.
Comment: This sequence change replaces histidine, which is basic and polar, with tyrosine, which is neutral and polar, at codon 33877 of the TTN protein (p.His33877Tyr). This variant is not present in population databases (gnomAD no frequency). This variant has not been reported in the literature in individuals affected with TTN-related conditions. ClinVar contains an entry for this variant (Variation ID: 838219). Algorithms developed to predict the effect of missense changes on protein structure and function output the following: SIFT: "Not Available"; PolyPhen-2: "Not Available"; Align-GVGD: "Not Available". The tyrosine amino acid residue is found in multiple mammalian species, which suggests that this missense change does not adversely affect protein function. This variant is located in the M band of TTN (PMID: 25589632). Variants in this region may be relevant for neuromuscular disorders, but have not been definitively shown to cause cardiomyopathy (PMID: 23975875). In summary, the available evidence is currently insufficient to determine the role of this variant in disease. Therefore, it has been classified as a Variant of Uncertain Significance.

Literature cited by the submitters: PubMed 25589632; PubMed 23975875.